The following is an entry in ClinVar:

ClinVar aggregate classification (germline): Likely pathogenic. Review status: criteria provided, multiple submitters, no conflicts (2 of 4 stars). 3 submissions from 3 submitters: Likely pathogenic (3). Last evaluated 2025-07-11.

Conditions:
Intellectual disability, X-linked 49 (MRXSRC). Also called: CLCN4-related X-linked intellectual disability syndrome; RAYNAUD-CLAES SYNDROME; MENTAL RETARDATION, X-LINKED 15; MRX49; CLCN4-Related Neurodevelopmental Disorder. Identifiers: Orphanet 485350, Orphanet 777, MedGen C0796221, MONDO:0010250, OMIM 300114.

Submissions (3):

GeneDx
Classification: Likely pathogenic. Last evaluated: 2025-07-11. Review status: criteria provided, single submitter. Criteria: GeneDx Variant Classification Process June 2021. Collection method: clinical testing. Allele origin: germline. Affected: yes.
Comment: Not observed at significant frequency in large population cohorts (gnomAD); In silico analysis supports that this missense variant has a deleterious effect on protein structure/function; Has not been previously published as pathogenic or benign to our knowledge

Labcorp Genetics (formerly Invitae), Labcorp
Classification: Likely pathogenic. Last evaluated: 2022-07-27. Review status: criteria provided, single submitter. Criteria: Invitae Variant Classification Sherloc (09022015). Collection method: clinical testing. Allele origin: germline.
Comment: This variant is not present in population databases (gnomAD no frequency). This sequence change replaces glycine, which is neutral and non-polar, with serine, which is neutral and polar, at codon 467 of the CLCN4 protein (p.Gly467Ser). This missense change has been observed in individual(s) with clinical features of CLCN4-related conditions (Invitae). In at least one individual the variant was observed to be de novo. In summary, the currently available evidence indicates that the variant is pathogenic, but additional data are needed to prove that conclusively. Therefore, this variant has been classified as Likely Pathogenic. Algorithms developed to predict the effect of missense changes on protein structure and function (SIFT, PolyPhen-2, Align-GVGD) all suggest that this variant is likely to be disruptive. ClinVar contains an entry for this variant (Variation ID: 807385).

Institute of Human Genetics Munich, TUM University Hospital
Classification: Likely pathogenic for Intellectual disability, X-linked 49. Last evaluated: 2020-01-16. Review status: criteria provided, single submitter. Criteria: Classification criteria August 2017. Collection method: clinical testing. Allele origin: de novo. Inheritance: X-linked inheritance. Affected: yes. Observed: 1 heterozygote.

NM_001830.4(CLCN4):c.1399G>A (p.Gly467Ser)

Gene: CLCN4 (Cl-/H+ antiporter 4; plus strand). Cytogenetic location: Xp22.2.
Variant type: single nucleotide variant.
Coding change: c.1399G>A on transcript NM_001830.4 (MANE Select); coding-DNA position 1399, G replaced by A.
Protein change: p.Gly467Ser; replaces glycine 467 with serine.
Molecular consequence: missense variant.
Genome position (GRCh38, 1-based): chrX:10,212,476, G>A. VCF-style: chrX-10212476-G-A. GRCh37 (hg19) VCF-style: chrX-10180516-G-A.
Other names: c.1117G>A, p.Gly373Ser (NM_001256944.2); c.1399G>A (NM_001830.3); short protein forms G467S, G373S.
Identifiers: ClinVar variation 807385 (VCV000807385.9), dbSNP rs1602159841, ClinGen allele CA412040436.